The following is an entry in ClinVar:

NM_000222.3(KIT):c.1385T>C (p.Leu462Pro)

Gene: KIT (KIT proto-oncogene, receptor tyrosine kinase; plus strand). Cytogenetic location: 4q12.
Variant type: single nucleotide variant.
Coding change: c.1385T>C on transcript NM_000222.3 (MANE Select); coding-DNA position 1385, T replaced by C.
Protein change: p.Leu462Pro; replaces leucine 462 with proline.
Molecular consequence: missense variant.
Genome position (GRCh38, 1-based): chr4:54,725,895, T>C. VCF-style: chr4-54725895-T-C. GRCh37 (hg19) VCF-style: chr4-55592061-T-C.
Other names: c.1385T>C, p.Leu462Pro (NM_001093772.2, NM_001385285.1, NM_001385286.1); c.1388T>C, p.Leu463Pro (NM_001385284.1, NM_001385288.1, NM_001385290.1 and 1 more transcripts); short protein forms L463P, L462P.
Identifiers: ClinVar variation 2447523 (VCV002447523.5), dbSNP rs200783907, ClinGen allele CA96874761.

ClinVar aggregate classification (germline): Uncertain significance. Review status: criteria provided, multiple submitters, no conflicts (2 of 4 stars). 2 submissions from 2 submitters: Uncertain significance (2). Last evaluated 2025-10-07.

Conditions:
Hereditary cancer-predisposing syndrome. Also called: Hereditary Cancer Syndrome; Hereditary neoplastic syndrome; Neoplastic Syndromes, Hereditary; Tumor predisposition. Identifiers: Orphanet 140162, MedGen C0027672, MeSH D009386, MONDO:0015356.
Gastrointestinal stromal tumor. Also called: Gastrointestinal stromal tumor, somatic; Gastrointestinal stroma tumor. Identifiers: Orphanet 44890, MedGen C0238198, MeSH D046152, MONDO:0011719, OMIM 606764, HP:0100723.

Allele frequency attached by ClinVar (database versions not stated): gnomAD exomes below 0.00001; gnomAD 0.00001; 1000 Genomes Project 30x 0.00016; 1000 Genomes Project 0.00020.
gnomAD v4.1: 2 of 1,614,178 alleles (0.00012%); highest among the groups gnomAD compares: East Asian, 0.0045%; no homozygotes.

Submissions (2):

Labcorp Genetics (formerly Invitae), Labcorp
Classification: Uncertain significance for Gastrointestinal stromal tumor. Last evaluated: 2025-10-07. Review status: criteria provided, single submitter. Criteria: Invitae Variant Classification Sherloc (09022015). Collection method: clinical testing. Allele origin: germline.
Comment: This sequence change replaces leucine, which is neutral and non-polar, with proline, which is neutral and non-polar, at codon 462 of the KIT protein (p.Leu462Pro). This variant is not present in population databases (gnomAD no frequency). This variant has not been reported in the literature in individuals affected with KIT-related conditions. ClinVar contains an entry for this variant (Variation ID: 2447523). An algorithm developed to predict the effect of missense changes on protein structure and function (PolyPhen-2) suggests that this variant is likely to be tolerated. In summary, the available evidence is currently insufficient to determine the role of this variant in disease. Therefore, it has been classified as a Variant of Uncertain Significance.

Ambry Genetics
Classification: Uncertain significance for Hereditary cancer-predisposing syndrome. Last evaluated: 2023-01-31. Review status: criteria provided, single submitter. Criteria: Ambry Variant Classification Scheme 2023. Collection method: clinical testing. Allele origin: germline.
Comment: The p.L462P variant (also known as c.1385T>C), located in coding exon 9 of the KIT gene, results from a T to C substitution at nucleotide position 1385. The leucine at codon 462 is replaced by proline, an amino acid with similar properties. This amino acid position is poorly conserved in available vertebrate species. In addition, this alteration is predicted to be tolerated by in silico analysis. Since supporting evidence is limited at this time, the clinical significance of this alteration remains unclear.